The following is an entry in ClinVar:

ClinVar aggregate classification (germline): Uncertain significance (1 of 4 stars; one submission).

Allele frequency attached by ClinVar (database versions not stated): gnomAD below 0.00001 and 0.00001.
gnomAD v4.1: 1 of 1,614,002 alleles (0.000062%); highest among the groups gnomAD compares: South Asian, 0.0011%; no homozygotes.

Submission:

GeneDx
Classification: Uncertain significance. Last evaluated: 2014-07-22. Review status: criteria provided, single submitter. Criteria: GeneDx Variant Classification (06012015). Collection method: clinical testing. Allele origin: germline. Affected: yes.
Comment: p.Val885Leu (GTC>CTC): c.2653 G>C in exon 17 of the CNTNAP2 gene (NM_014141.5). The V885L variant has not been published as a mutation, nor has it been reported as a benign polymorphism to our knowledge. It was not observed in approximately 6,500 individuals of European and African American ancestry in the NHLBI Exome Sequencing Project, indicating it is not a common benign variant in these populations. This substitution occurs at a position that is highly conserved across species and in silico analysis predicts this variant is probably damaging to the protein structure/function. However, the V885L variant is a conservative amino acid substitution, which is not likely to impact secondary protein structure as these residues share similar properties. Therefore, based on the currently available information, it is unclear whether this variant is a pathogenic mutation or a rare benign variant. The variant is found in EPILEPSY panel(s).

NM_014141.6(CNTNAP2):c.2653G>C (p.Val885Leu)

Gene: CNTNAP2 (contactin associated protein 2; plus strand). Cytogenetic location: 7q35.
Variant type: single nucleotide variant.
Coding change: c.2653G>C on transcript NM_014141.6 (MANE Select); coding-DNA position 2653, G replaced by C.
Protein change: p.Val885Leu; replaces valine 885 with leucine.
Molecular consequence: missense variant.
Genome position (GRCh38, 1-based): chr7:148,147,589, G>C. VCF-style: chr7-148147589-G-C. GRCh37 (hg19) VCF-style: chr7-147844681-G-C.
Other names: p.V885L:GTC>CTC; short protein forms V885L.
Identifiers: ClinVar variation 205272 (VCV000205272.2), dbSNP rs796052379, ClinGen allele CA314178.